The following is an entry in ClinVar:

ClinVar aggregate classification (germline): Uncertain significance (1 of 4 stars; one submission).

Conditions:
Early-infantile DEE. Also called: Ohtahara syndrome; Early infantile epileptic encephalopathy; Early infantile epileptic encephalopathy with suppression bursts. Identifiers: Orphanet 1934, MedGen C0393706, MONDO:0800491.

Submission:

Labcorp Genetics (formerly Invitae), Labcorp
Classification: Uncertain significance for Early-infantile DEE. Last evaluated: 2023-11-15. Review status: criteria provided, single submitter. Criteria: Invitae Variant Classification Sherloc (09022015). Collection method: clinical testing. Allele origin: germline.
Comment: This sequence change creates a premature translational stop signal (p.Tyr2445*) in the SPTAN1 gene. While this is not anticipated to result in nonsense mediated decay, it is expected to disrupt the last 33 amino acid(s) of the SPTAN1 protein. This variant is not present in population databases (gnomAD no frequency). This variant has not been reported in the literature in individuals affected with SPTAN1-related conditions. Experimental studies and prediction algorithms are not available or were not evaluated, and the functional significance of this variant is currently unknown. This variant disrupts a region of the SPTAN1 protein in which other variant(s) (p.Glu2469Ala) have been observed in individuals with SPTAN1-related conditions (Invitae). This suggests that this is a clinically significant region of the protein, and that variants that disrupt it are likely to be disease-causing. In summary, the available evidence is currently insufficient to determine the role of this variant in disease. Therefore, it has been classified as a Variant of Uncertain Significance.

NM_001130438.3(SPTAN1):c.7335C>G (p.Tyr2445Ter)

Gene: SPTAN1 (spectrin alpha, non-erythrocytic 1; plus strand). Cytogenetic location: 9q34.11.
Variant type: single nucleotide variant.
Coding change: c.7335C>G on transcript NM_001130438.3 (MANE Select); coding-DNA position 7335, C replaced by G.
Protein change: p.Tyr2445Ter; replaces tyrosine 2445 with a stop codon.
Molecular consequence: nonsense.
Genome position (GRCh38, 1-based): chr9:128,633,235, C>G. VCF-style: chr9-128633235-C-G. GRCh37 (hg19) VCF-style: chr9-131395514-C-G.
Other names: c.7260C>G, p.Tyr2420Ter (NM_001195532.2); c.7398C>G, p.Tyr2466Ter (NM_001363759.2); c.7275C>G, p.Tyr2425Ter (NM_001363765.2, NM_001375314.2); c.7422C>G, p.Tyr2474Ter (NM_001375310.1); c.7335C>G, p.Tyr2445Ter (NM_001375311.2); c.7371C>G, p.Tyr2457Ter (NM_001375312.2); c.7317C>G, p.Tyr2439Ter (NM_001375313.1); c.7434C>G, p.Tyr2478Ter (NM_001375318.1); and 1 more; short protein forms Y2445*, Y2425*, Y2440*, Y2457*, Y2474*, Y2420*, Y2439*, Y2466*.
Identifiers: ClinVar variation 2753320 (VCV002753320.3), dbSNP rs1383084984, ClinGen allele CA375103439.